The following is an entry in ClinVar:

ClinVar aggregate classification (germline): Pathogenic/Likely pathogenic. Review status: criteria provided, multiple submitters, no conflicts (2 of 4 stars). 3 submissions from 3 submitters: Pathogenic (1); Likely pathogenic (2). Last evaluated 2025-07-22.

Conditions:
COL7A1-related disorder. Also called: COL7A1- related disorders; COL7A1-related condition.
Epidermolysis bullosa dystrophica. Also called: Dystrophic epidermolysis bullosa; Dystrophic epidermolysis bullosa, Hallopeau-Siemens type (formerly). Identifiers: Orphanet 303, MedGen C0079294, MONDO:0006543.

Allele frequency attached by ClinVar (database versions not stated): gnomAD exomes 0.00001.
gnomAD v4.1: 2 of 1,360,776 alleles (0.00015%); highest among the groups gnomAD compares: Non-Finnish European, 0.0002%; no homozygotes.

Submissions (3):

PreventionGenetics, part of Exact Sciences
Classification: Likely pathogenic for COL7A1-related condition. Last evaluated: 2025-07-22. Review status: criteria provided, single submitter. Criteria: ACMG Guidelines, 2015. Collection method: clinical testing. Allele origin: germline.
Comment: The COL7A1 c.6176A>G variant is predicted to result in the amino acid substitution p.Glu2059Gly. This variant has been previously reported in two related individuals with autosomal recessive dystrophic epidermolysis bullosa (Kern et al. 2006. PubMed ID: 16484981; Dang and Murrell. 2008. PubMed ID: 18558993), and leads to reduced levels of procollagen VII in the skin cells (Kern et al. 2006. PubMed ID: 16484981). This variant has not been reported in a large population database (gnomAD), indicating this variant is rare. This variant is interpreted as likely pathogenic.

Natera, Inc.
Classification: Likely pathogenic for Dystrophic epidermolysis bullosa. Last evaluated: 2024-02-27. Review status: criteria provided, single submitter. Criteria: Natera Variant Classification Schema (03/2026). Collection method: clinical testing. Allele origin: germline.
Comment: The c.6176A>G variant in COL7A1 is a missense variant predicted to cause substitution of glutamic acid to glycine at amino acid 2059. This variant is rare in the general population with a frequency below the threshold expected for the associated phenotype(s). This variant has been observed in one or more individuals affected with the associated recessive disease, as either homozygous or compound heterozygous with a second variant (PMID: 16484981, 31578311, 24577406, 20818854). Additionally, this variant has been observed to segregate in affected family members (PMID: 16484981). Computational prediction algorithms indicate this variant is likely to affect gene or protein function. Given the available evidence, this variant is classified as Likely Pathogenic.

GeneDx
Classification: Pathogenic. Last evaluated: 2015-04-01. Review status: criteria provided, single submitter. Criteria: GeneDx Variant Classification (06012015). Collection method: clinical testing. Allele origin: germline. Affected: yes.
Comment: The p.E2059G pathogenic variant in the COL7A1 gene has been reported previously both as a homozygous variant and as a compound heterozygous variant with a different pathogenic variant in the COL7A1 gene (Kern et al. 2006) supporting its designation as a pathogenic variant. The p.E2059G variant was not observed in approximately 6500 individuals of European and African American ancestry in the NHLBI Exome Sequencing Project, indicating it is not a common benign variant in these populations. p.E2059G is a non-conservative amino acid substitution, which is likely to impact secondary protein structure as these residues differ in polarity, charge, size and/or other properties. This substitution occurs at a position that is conserved across class. In silico analysis is inconsistent in its predictions as to whether or not the variant is damaging to the protein structure/function, however amino acid substitutions in the triple helical domain are usually pathogenic. Missense variant in nearby residues (G2058A, G2061E, R2063W) have been reported in the Human Gene Mutation Database in association with DEB (Stenson et al., 2014), supporting the functional importance of this region of the protein. We interpret p.E2059G as a pathogenic variant.

Literature cited by the submitters: PubMed 16484981 (cited by Natera, Inc.); PubMed 31578311 (cited by Natera, Inc.); PubMed 24577406 (cited by Natera, Inc.); PubMed 20818854 (cited by Natera, Inc.).

NM_000094.4(COL7A1):c.6176A>G (p.Glu2059Gly)

Gene: COL7A1 (collagen type VII alpha 1 chain; minus strand). Cytogenetic location: 3p21.31.
Variant type: single nucleotide variant.
Coding change: c.6176A>G on transcript NM_000094.4 (MANE Select); coding-DNA position 6176, A replaced by G.
Protein change: p.Glu2059Gly; replaces glutamic acid 2059 with glycine.
Molecular consequence: missense variant.
Genome position (GRCh38, 1-based): chr3:48,575,343, T>C on the plus strand (A>G on the coding strand, the complement: COL7A1 is on the minus strand). VCF-style: chr3-48575343-T-C. GRCh37 (hg19) VCF-style: chr3-48612776-T-C.
Other names: short protein forms E2059G.
Identifiers: ClinVar variation 372343 (VCV000372343.4), dbSNP rs1057517726, ClinGen allele CA16042528.
Genomic context (GRCh38, chr3:48,575,343, plus strand): 5'-GTCCCACCCCTCCCAACCCCTCTTCCCTCACTCTCCTGGCCAGCCCCCAGCCTCACCCTC[T>C]CTCCTGGCCTTCCTGCCTCTCCCACACCCCCAGCCCTGCCTGGGAGCCCGGGAATACCAG-3'
Protein context (NP_000085.1, residues 2049-2069): GGVGEAGRPG[Glu2059Gly]RGERGEKGER